The following is an entry in ClinVar:

ClinVar aggregate classification (germline): Uncertain significance. Review status: criteria provided, multiple submitters, no conflicts (2 of 4 stars). 2 submissions from 2 submitters: Uncertain significance (2). Last evaluated 2024-09-22.

Conditions:
Arrhythmogenic right ventricular dysplasia 8 (ARVD8). Also called: Arrhythmogenic Right Ventricular Dysplasia/Cardiomyopathy 8; ARRHYTHMOGENIC RIGHT VENTRICULAR DYSPLASIA, FAMILIAL, 8; ARRHYTHMOGENIC RIGHT VENTRICULAR CARDIOMYOPATHY 8. Identifiers: MedGen C1843896, MONDO:0011831, OMIM 607450.
Arrhythmogenic cardiomyopathy with wooly hair and keratoderma. Also called: Arrhythmogenic cardiomyopathy with woolly hair and keratoderma; PALMOPLANTAR KERATODERMA WITH LEFT VENTRICULAR CARDIOMYOPATHY AND WOOLLY HAIR; Dilated cardiomyopathy with woolly hair and keratoderma; Carvajal syndrome. Identifiers: Orphanet 65282, MedGen C1854063, MONDO:0011581, OMIM 605676.
Cardiovascular phenotype. Identifiers: MedGen CN230736.

gnomAD v4.1: 2 of 1,614,126 alleles (0.00012%); highest among the groups gnomAD compares: Non-Finnish European, 0.00017%; no homozygotes.

Submissions (2):

Ambry Genetics
Classification: Uncertain significance for Cardiovascular phenotype. Last evaluated: 2024-09-22. Review status: criteria provided, single submitter. Criteria: Ambry Variant Classification Scheme 2023. Collection method: clinical testing. Allele origin: germline.
Comment: The p.D1248H variant (also known as c.3742G>C), located in coding exon 23 of the DSP gene, results from a G to C substitution at nucleotide position 3742. The aspartic acid at codon 1248 is replaced by histidine, an amino acid with similar properties. This amino acid position is conserved. In addition, this alteration is predicted to be deleterious by in silico analysis. Based on the available evidence, the clinical significance of this variant remains unclear.

Labcorp Genetics (formerly Invitae), Labcorp
Classification: Uncertain significance for Arrhythmogenic cardiomyopathy with wooly hair and keratoderma; Arrhythmogenic right ventricular dysplasia 8. Last evaluated: 2019-03-26. Review status: criteria provided, single submitter. Criteria: Invitae Variant Classification Sherloc (09022015). Collection method: clinical testing. Allele origin: germline.
Comment: In summary, the available evidence is currently insufficient to determine the role of this variant in disease. Therefore, it has been classified as a Variant of Uncertain Significance. Algorithms developed to predict the effect of missense changes on protein structure and function are either unavailable or do not agree on the potential impact of this missense change (SIFT: "Deleterious"; PolyPhen-2: "Possibly Damaging"; Align-GVGD: "Class C0"). This variant has not been reported in the literature in individuals with DSP-related conditions. This variant is not present in population databases (ExAC no frequency). This sequence change replaces aspartic acid with histidine at codon 1248 of the DSP protein (p.Asp1248His). The aspartic acid residue is highly conserved and there is a moderate physicochemical difference between aspartic acid and histidine.

NM_004415.4(DSP):c.3742G>C (p.Asp1248His)

Gene: DSP (desmoplakin; plus strand). Cytogenetic location: 6p24.3.
Variant type: single nucleotide variant.
Coding change: c.3742G>C on transcript NM_004415.4 (MANE Select); coding-DNA position 3742, G replaced by C.
Protein change: p.Asp1248His; replaces aspartic acid 1248 with histidine.
Molecular consequence: missense variant. On other transcripts: intron variant (1).
Genome position (GRCh38, 1-based): chr6:7,579,932, G>C. VCF-style: chr6-7579932-G-C. GRCh37 (hg19) VCF-style: chr6-7580165-G-C.
Other names: c.3742G>C, p.Asp1248His (NM_001319034.2); c.3582+160G>C (NM_001008844.3); short protein forms D1248H.
Identifiers: ClinVar variation 856688 (VCV000856688.11), dbSNP rs989348634, ClinGen allele CA362684757.
Genomic context (GRCh38, chr6:7,579,932, plus strand): 5'-AAAGAGGATGATTCCAAAAATCTTAGAAACCAGCTTGATAGACTTTCAAGGGAAAATCGA[G>C]ATCTGAAGGATGAAATTGTCAGGCTCAATGACAGCATCTTGCAGGCCACTGAGCAGCGAA-3'
Protein context (NP_004406.2, residues 1238-1258): QLDRLSRENR[Asp1248His]LKDEIVRLND